The following is an entry in ClinVar:

NM_014140.4(SMARCAL1):c.1881del (p.Ser628fs)

Gene: SMARCAL1 (SNF2 related chromatin remodeling annealing helicase 1; plus strand). Cytogenetic location: 2q35.
Variant type: Deletion.
Coding change: c.1881del on transcript NM_014140.4 (MANE Select); coding-DNA position 1881, one base deleted (C; older notation c.1881delC).
Protein change: p.Ser628fs; shifts the reading frame from serine 628.
Molecular consequence: frameshift variant.
Genome position (GRCh38, 1-based): chr2:216,450,875, C deleted; the last of 2 consecutive C bases (chr2:216,450,874-216,450,875); deleting either gives the same sequence. VCF-style (leftmost placement, unchanged base first): chr2-216450873-TC-T. GRCh37 (hg19) VCF-style: chr2-217315596-TC-T.
Other names: c.1881del, p.Ser628fs (NM_001127207.2); short protein forms S628fs.
Identifiers: ClinVar variation 2914549 (VCV002914549.4), dbSNP rs990873729, ClinGen allele CA65608320.
Genomic context (GRCh38, chr2:216,450,873, plus strand): 5'-CTCATGGGGCTGTCGCTGTCTTGTTCTCTGCAGATGCCTTGGGGGTGGGACTACTCAGGT[TC>T]CTCCAACCTGGGAGAGCTGAAGCTCCTGCTGGAGGAAGCAGTCATGCTGCGGCGCCTCAA-3'

ClinVar aggregate classification (germline): Pathogenic/Likely pathogenic. Review status: criteria provided, multiple submitters, no conflicts (2 of 4 stars). 2 submissions from 2 submitters: Pathogenic (1); Likely pathogenic (1). Last evaluated 2024-05-17.

Conditions:
Schimke immuno-osseous dysplasia (SIOD). Also called: Schimke Immunoosseous Dysplasia. Identifiers: Orphanet 1830, MedGen C0877024, MONDO:0009458, OMIM 242900.

Submissions (2):

Fulgent Genetics
Classification: Likely pathogenic for Schimke immuno-osseous dysplasia. Last evaluated: 2024-05-17. Review status: criteria provided, single submitter. Criteria: ACMG Guidelines, 2015. Collection method: clinical testing. Allele origin: germline.

Labcorp Genetics (formerly Invitae), Labcorp
Classification: Pathogenic for Schimke immuno-osseous dysplasia. Last evaluated: 2024-01-22. Review status: criteria provided, single submitter. Criteria: Invitae Variant Classification Sherloc (09022015). Collection method: clinical testing. Allele origin: germline.
Comment: This sequence change creates a premature translational stop signal (p.Ser628Profs*6) in the SMARCAL1 gene. It is expected to result in an absent or disrupted protein product. Loss-of-function variants in SMARCAL1 are known to be pathogenic (PMID: 11799392, 20301550). This variant is not present in population databases (gnomAD no frequency). This variant has not been reported in the literature in individuals affected with SMARCAL1-related conditions. For these reasons, this variant has been classified as Pathogenic.

Literature cited by the submitters: PubMed 11799392 (cited by Labcorp Genetics (formerly Invitae), Labcorp); PubMed 20301550 (cited by Labcorp Genetics (formerly Invitae), Labcorp).